The following is an entry in ClinVar:

NM_014915.3(ANKRD26):c.2773A>G (p.Arg925Gly)

Gene: ANKRD26 (ankyrin repeat domain containing 26; minus strand). Cytogenetic location: 10p12.1.
Variant type: single nucleotide variant.
Coding change: c.2773A>G on transcript NM_014915.3 (MANE Select); coding-DNA position 2773, A replaced by G.
Protein change: p.Arg925Gly; replaces arginine 925 with glycine.
Molecular consequence: missense variant.
Genome position (GRCh38, 1-based): chr10:27,035,677, T>C on the plus strand (A>G on the coding strand, the complement: ANKRD26 is on the minus strand). VCF-style: chr10-27035677-T-C. GRCh37 (hg19) VCF-style: chr10-27324606-T-C.
Other names: c.2770A>G, p.Arg924Gly (NM_001256053.2); short protein forms R924G, R925G.
Identifiers: ClinVar variation 3914322 (VCV003914322.1).

ClinVar aggregate classification (germline): Uncertain significance (1 of 4 stars; one submission).

Conditions:
Inborn genetic diseases. Identifiers: MedGen C0950123, MeSH D030342.

gnomAD v4.1: 8 of 1,602,648 alleles (0.0005%); highest among the groups gnomAD compares: East Asian, 0.018%; no homozygotes.

Submission:

Ambry Genetics
Classification: Uncertain significance for Inborn genetic diseases. Last evaluated: 2025-05-09. Review status: criteria provided, single submitter. Criteria: Ambry Variant Classification Scheme 2023. Collection method: clinical testing. Allele origin: germline.
Comment: The p.R925G variant (also known as c.2773A>G), located in coding exon 24 of the ANKRD26 gene, results from an A to G substitution at nucleotide position 2773. The arginine at codon 925 is replaced by glycine, an amino acid with dissimilar properties. This amino acid position is conserved. In addition, this alteration is predicted to be tolerated by in silico analysis. Based on the available evidence, the clinical significance of this variant remains unclear.